The following is an entry in ClinVar:

ClinVar aggregate classification (germline): Pathogenic (1 of 4 stars; one submission).

Submission:

CeGaT Center for Human Genetics Tuebingen
Classification: Pathogenic. Last evaluated: 2023-09-01. Review status: criteria provided, single submitter. Criteria: CeGaT Center For Human Genetics Tuebingen Variant Classification Criteria Version 2. Collection method: clinical testing. Allele origin: germline. Affected: yes. Observed: 1 variant allele.
Comment: WDR62: PVS1, PM2

NM_001083961.2(WDR62):c.600_601del (p.Arg200fs)

Gene: WDR62 (WD repeat domain 62; plus strand). Cytogenetic location: 19q13.12.
Variant type: Microsatellite.
Coding change: c.600_601del on transcript NM_001083961.2 (MANE Select); coding-DNA positions 600 to 601, 2 bases deleted (AG; older notation c.600_601delAG).
Protein change: p.Arg200fs; shifts the reading frame from arginine 200.
Molecular consequence: frameshift variant.
Genome position (GRCh38, 1-based): chr19:36,067,344-36,067,345, AG deleted; deleting any 2 consecutive bases within chr19:36,067,342-36,067,345 gives the same sequence; the c. name uses the placement nearest the transcript's 3' end. VCF-style (leftmost placement, unchanged base first): chr19-36067341-TAG-T. GRCh37 (hg19) VCF-style: chr19-36558243-TAG-T.
Other names: c.600_601del, p.Arg200fs (NM_001411145.1, NM_001411146.1, NM_001411147.1 and 1 more transcripts); short protein forms R200fs.
Identifiers: ClinVar variation 2582970 (VCV002582970.25), dbSNP rs1480410450, ClinGen allele CA881847995.